The following is an entry in ClinVar:

ClinVar aggregate classification (germline): Likely benign. Review status: criteria provided, multiple submitters, no conflicts (2 of 4 stars). 4 submissions from 4 submitters: Likely benign (4). Last evaluated 2025-11-16.

Conditions:
Cardiovascular phenotype. Identifiers: MedGen CN230736.
Cardiomyopathy (CMYO). Also called: Cardiomyopathies. Identifiers: Orphanet 167848, MedGen C0878544, MONDO:0004994, HP:0001638. Inheritance: Various modes of inheritance.
Hypertrophic cardiomyopathy. Also called: HYPERTROPHIC MYOCARDIOPATHY. Identifiers: Orphanet 217569, MedGen C0007194, MeSH D002312, MONDO:0005045, HP:0001639.

Allele frequency attached by ClinVar (database versions not stated): gnomAD exomes below 0.00001.
gnomAD v4.1: 5 of 1,538,754 alleles (0.00032%); highest among the groups gnomAD compares: South Asian, 0.0062%; no homozygotes.

Submissions (4):

Ambry Genetics
Classification: Likely benign for Cardiovascular phenotype. Last evaluated: 2025-11-16. Review status: criteria provided, single submitter. Criteria: Ambry Variant Classification Scheme 2023. Collection method: clinical testing. Allele origin: germline.

All of Us Research Program, National Institutes of Health
Classification: Likely benign for Hypertrophic cardiomyopathy. Last evaluated: 2023-08-15. Review status: criteria provided, single submitter. Criteria: ACMG Guidelines, 2015. Collection method: clinical testing. Allele origin: germline. Inheritance: Autosomal dominant inheritance. Observed: 1 variant allele, 1 heterozygote.
Comment: This study involves interpretation of variants in research participants for the purpose of population health screening. Participant phenotype was not available at the time of variant classification. Additional details can be found in publication PMID: 35346344, PMCID: PMC8962531

Blueprint Genetics
Classification: Likely benign. Last evaluated: 2021-09-10. Review status: criteria provided, single submitter. Criteria: ACMG Guidelines, 2015. Collection method: clinical testing. Allele origin: germline.

Color Diagnostics, LLC DBA Color Health
Classification: Likely benign for Cardiomyopathy. Last evaluated: 2019-04-20. Review status: criteria provided, single submitter. Criteria: ACMG Guidelines, 2015. Collection method: clinical testing. Allele origin: germline.

NM_000256.3(MYBPC3):c.339C>T (p.Ala113=)

Gene: MYBPC3 (myosin binding protein C3; minus strand). Cytogenetic location: 11p11.2.
Variant type: single nucleotide variant.
Coding change: c.339C>T on transcript NM_000256.3 (MANE Select); coding-DNA position 339, C replaced by T.
Protein change: p.Ala113=; no amino-acid change (alanine 113 retained).
Molecular consequence: synonymous variant.
Genome position (GRCh38, 1-based): chr11:47,350,569, G>A on the plus strand (C>T on the coding strand, the complement: MYBPC3 is on the minus strand). VCF-style: chr11-47350569-G-A. GRCh37 (hg19) VCF-style: chr11-47372120-G-A.
Identifiers: ClinVar variation 188524 (VCV000188524.5), dbSNP rs786204325, ClinGen allele CA014081.